The following is an entry in ClinVar:

ClinVar aggregate classification (germline): Uncertain significance (1 of 4 stars; one submission).

Conditions:
Nemaline myopathy 9 (NEM9). Identifiers: MedGen C3810384, MONDO:0014326, OMIM 615731.

Allele frequency attached by ClinVar (database versions not stated): gnomAD exomes below 0.00001 and 0.00001; ExAC 0.00001.
gnomAD v4.1: 8 of 1,613,882 alleles (0.0005%); highest among the groups gnomAD compares: Non-Finnish European, 0.00059%; no homozygotes.

Submission:

Labcorp Genetics (formerly Invitae), Labcorp
Classification: Uncertain significance for Nemaline myopathy 9. Last evaluated: 2022-11-22. Review status: criteria provided, single submitter. Criteria: Invitae Variant Classification Sherloc (09022015). Collection method: clinical testing. Allele origin: germline.
Comment: In summary, the available evidence is currently insufficient to determine the role of this variant in disease. Therefore, it has been classified as a Variant of Uncertain Significance. Advanced modeling of protein sequence and biophysical properties (such as structural, functional, and spatial information, amino acid conservation, physicochemical variation, residue mobility, and thermodynamic stability) performed at Invitae indicates that this missense variant is not expected to disrupt KLHL41 protein function. ClinVar contains an entry for this variant (Variation ID: 1525212). This variant has not been reported in the literature in individuals affected with KLHL41-related conditions. This variant is present in population databases (rs751438442, gnomAD no frequency). This sequence change replaces valine, which is neutral and non-polar, with isoleucine, which is neutral and non-polar, at codon 379 of the KLHL41 protein (p.Val379Ile).

NM_006063.3(KLHL41):c.1135G>A (p.Val379Ile)

Gene: KLHL41 (kelch like family member 41; plus strand). Cytogenetic location: 2q31.1.
Variant type: single nucleotide variant.
Coding change: c.1135G>A on transcript NM_006063.3 (MANE Select); coding-DNA position 1135, G replaced by A.
Protein change: p.Val379Ile; replaces valine 379 with isoleucine.
Molecular consequence: missense variant.
Genome position (GRCh38, 1-based): chr2:169,514,598, G>A. VCF-style: chr2-169514598-G-A. GRCh37 (hg19) VCF-style: chr2-170371108-G-A.
Other names: short protein forms V379I.
Identifiers: ClinVar variation 1525212 (VCV001525212.5), dbSNP rs751438442, ClinGen allele CA1956624.